The following is an entry in ClinVar:

NM_024598.4(USB1):c.693+1G>T

Gene: USB1 (U6 snRNA biogenesis phosphodiesterase 1; plus strand). Cytogenetic location: 16q21.
Variant type: single nucleotide variant.
Coding change: c.693+1G>T on transcript NM_024598.4 (MANE Select); the canonical splice donor site of the intron after coding-DNA position 693, G replaced by T.
Molecular consequence: splice donor variant.
Genome position (GRCh38, 1-based): chr16:58,019,056, G>T. VCF-style: chr16-58019056-G-T. GRCh37 (hg19) VCF-style: chr16-58052960-G-T.
Other names: c.540+1G>T (NM_001330568.2); c.639+1G>T (NM_001195302.2).
Identifiers: ClinVar variation 496749 (VCV000496749.4), dbSNP rs1292827495, ClinGen allele CA396130274.

ClinVar aggregate classification (germline): Pathogenic. Review status: criteria provided, single submitter (1 of 4 stars). 2 submissions from 2 submitters: Pathogenic (1). 1 of the submissions does not count toward it. Last evaluated 2024-09-03.

Conditions:
Poikiloderma with neutropenia (PN). Identifiers: Orphanet 221046, MedGen C1858723, MONDO:0011405, OMIM 604173.

Allele frequency attached by ClinVar (database versions not stated): gnomAD exomes below 0.00001; TOPMed below 0.00001.
gnomAD v4.1: 26 of 1,614,132 alleles (0.0016%); highest among the groups gnomAD compares: Non-Finnish European, 0.0021%; no homozygotes.

Submissions (2):

Labcorp Genetics (formerly Invitae), Labcorp
Classification: Pathogenic. Last evaluated: 2024-09-03. Review status: criteria provided, single submitter. Criteria: Invitae Variant Classification Sherloc (09022015). Collection method: clinical testing. Allele origin: germline.
Comment: This sequence change affects a donor splice site in intron 6 of the USB1 gene. While this variant is not anticipated to result in nonsense mediated decay, it likely alters RNA splicing and results in a disrupted protein product. This variant is present in population databases (no rsID available, gnomAD 0.0009%). Disruption of this splice site has been observed in individual(s) with poikiloderma with neutropenia (PMID: 21271650). In at least one individual the data is consistent with being in trans (on the opposite chromosome) from a pathogenic variant. It has also been observed to segregate with disease in related individuals. ClinVar contains an entry for this variant (Variation ID: 496749). Variants that disrupt the consensus splice site are a relatively common cause of aberrant splicing (PMID: 17576681, 9536098). Algorithms developed to predict the effect of sequence changes on RNA splicing suggest that this variant may disrupt the consensus splice site. This variant disrupts a region of the USB1 protein in which other variant(s) (p.Cys253Arg) have been observed in individuals with USB1-related conditions (PMID: 31522452). This suggests that this is a clinically significant region of the protein, and that variants that disrupt it are likely to be disease-causing. For these reasons, this variant has been classified as Pathogenic.

GeneReviews
No classification provided. Condition: Poikiloderma with neutropenia. Review status: no classification provided. Collection method: literature only. Allele origin: germline. Not counted in ClinVar's aggregate classification.

Literature cited by the submitters: PubMed 21271650 (cited by Labcorp Genetics (formerly Invitae), Labcorp); PubMed 17576681 (cited by Labcorp Genetics (formerly Invitae), Labcorp); PubMed 9536098 (cited by Labcorp Genetics (formerly Invitae), Labcorp); PubMed 31522452 (cited by Labcorp Genetics (formerly Invitae), Labcorp); NCBI Bookshelf NBK459118 (cited by GeneReviews); PubMed 29072891 (cited by GeneReviews).